The following is an entry in ClinVar:

ClinVar aggregate classification (germline): Likely benign (1 of 4 stars; one submission).

Allele frequency attached by ClinVar (database versions not stated): TOPMed below 0.00001; ExAC 0.00001; gnomAD exomes 0.00002.
gnomAD v4.1: 10 of 1,614,174 alleles (0.00062%); highest among the groups gnomAD compares: Non-Finnish European, 0.00085%; no homozygotes.

Submission:

CeGaT Center for Human Genetics Tuebingen
Classification: Likely benign. Last evaluated: 2022-11-01. Review status: criteria provided, single submitter. Criteria: CeGaT Center For Human Genetics Tuebingen Variant Classification Criteria Version 2. Collection method: clinical testing. Allele origin: germline. Affected: yes. Observed: 1 variant allele.
Comment: IQSEC1: BP4, BP7

NM_001134382.3(IQSEC1):c.1887G>A (p.Val629=)

Gene: IQSEC1 (IQ motif and Sec7 domain ArfGEF 1; minus strand). Cytogenetic location: 3p25.2.
Variant type: single nucleotide variant.
Coding change: c.1887G>A on transcript NM_001134382.3 (MANE Select); coding-DNA position 1887, G replaced by A.
Protein change: p.Val629=; no amino-acid change (valine 629 retained).
Molecular consequence: synonymous variant.
Genome position (GRCh38, 1-based): chr3:12,920,563, C>T on the plus strand (G>A on the coding strand, the complement: IQSEC1 is on the minus strand). VCF-style: chr3-12920563-C-T. GRCh37 (hg19) VCF-style: chr3-12962063-C-T.
Other names: c.1563G>A, p.Val521= (NM_001330619.3); c.2211G>A, p.Val737= (NM_001376938.2); c.1929G>A, p.Val643= (NM_014869.8).
Identifiers: ClinVar variation 2653554 (VCV002653554.24), dbSNP rs763033732, ClinGen allele CA2262133.
Genomic context (GRCh38, chr3:12,920,563, plus strand): 5'-GTTCAGCAGGATGATGGCGAAGGCCAGGATGAAAATGGTGTCTGGGTTCCGGAATTGCCG[C>T]ACCACCCCAGGGTTGCAGATGCAGTAGCGCTGGCTGCGGGCCGGGAGGGAGGGGGTCAGG-3'
Protein context (NP_001127854.1, residues 619-639): QRYCICNPGV[Val629=]RQFRNPDTIF